The following is an entry in ClinVar:

ClinVar aggregate classification (germline): Uncertain significance. Review status: criteria provided, multiple submitters, no conflicts (2 of 4 stars). 2 submissions from 2 submitters: Uncertain significance (2). Last evaluated 2023-12-08.

Conditions:
Hereditary spastic paraplegia 11. Also called: Spastic Paraplegia 11; SPASTIC PARAPLEGIA, AUTOSOMAL RECESSIVE, COMPLICATED, WITH THIN CORPUS CALLOSUM; SPASTIC PARAPLEGIA, AUTOSOMAL RECESSIVE, WITH MENTAL IMPAIRMENT AND THIN CORPUS CALLOSUM; Spastic paraplegia, mental retardation and thin corpus callosum; Nakamura Osame syndrome; Autosomal recessive hereditary spastic paraplegia, mental impairment, and thin corpus callosum. Identifiers: Orphanet 2822, MedGen C1858479, MONDO:0011445, OMIM 604360.

gnomAD v4.1: 17 of 1,614,082 alleles (0.0011%); highest among the groups gnomAD compares: Non-Finnish European, 0.0014%; no homozygotes.

Submissions (2):

Women's Health and Genetics/Laboratory Corporation of America, LabCorp
Classification: Uncertain significance. Last evaluated: 2023-12-08. Review status: criteria provided, single submitter. Criteria: LabCorp Variant Classification Summary - May 2015. Collection method: clinical testing. Allele origin: germline.
Comment: Variant summary: SPG11 c.7249G>T (p.Glu2417X) results in a premature termination codon, predicted to cause a truncation of the encoded protein or absence of the protein. The variant allele was found at a frequency of 4e-06 in 251384 control chromosomes (gnomAD). The available data on variant occurrences in the general population are insufficient to allow any conclusion about variant significance. To our knowledge, no occurrence of c.7249G>T in individuals affected with Hereditary Spastic Paraplegia, Type 11 and no experimental evidence demonstrating its impact on protein function have been reported. One submitter has cited clinical-significance assessments for this variant to ClinVar after 2014 and has classified the variant as uncertain significance. Based on the evidence outlined above, the variant was classified as uncertain significance.

Labcorp Genetics (formerly Invitae), Labcorp
Classification: Uncertain significance for Hereditary spastic paraplegia 11. Last evaluated: 2020-02-10. Review status: criteria provided, single submitter. Criteria: Invitae Variant Classification Sherloc (09022015). Collection method: clinical testing. Allele origin: germline.
Comment: This sequence change results in a premature translational stop signal in the SPG11 gene (p.Glu2417*). While this is not anticipated to result in nonsense mediated decay, it is expected to disrupt the last 27 amino acids of the SPG11 protein. This variant is present in population databases (rs371313584, ExAC 0.001%). This variant has not been reported in the literature in individuals with SPG11-related conditions. In summary, the available evidence is currently insufficient to determine the role of this variant in disease. Therefore, it has been classified as a Variant of Uncertain Significance.

NM_025137.4(SPG11):c.7249G>T (p.Glu2417Ter)

Gene: SPG11 (SPG11 vesicle trafficking associated, spatacsin; minus strand). Cytogenetic location: 15q21.1.
Variant type: single nucleotide variant.
Coding change: c.7249G>T on transcript NM_025137.4 (MANE Select); coding-DNA position 7249, G replaced by T.
Protein change: p.Glu2417Ter; replaces glutamic acid 2417 with a stop codon.
Molecular consequence: nonsense.
Genome position (GRCh38, 1-based): chr15:44,563,204, C>A on the plus strand (G>T on the coding strand, the complement: SPG11 is on the minus strand). VCF-style: chr15-44563204-C-A. GRCh37 (hg19) VCF-style: chr15-44855402-C-A.
Other names: c.6910G>T, p.Glu2304Ter (NM_001160227.2); short protein forms E2304*, E2417*.
Identifiers: ClinVar variation 1054214 (VCV001054214.5), dbSNP rs371313584, ClinGen allele CA7533843.